The following is an entry in ClinVar:

ClinVar aggregate classification (germline): Benign/Likely benign. Review status: criteria provided, multiple submitters, no conflicts (2 of 4 stars). 6 submissions from 6 submitters: Benign (3); Likely benign (3). Last evaluated 2026-09-21.

Conditions:
Cardiovascular phenotype. Identifiers: MedGen CN230736.
Holt-Oram syndrome (HOS). Also called: TBX5-Related Holt-Oram Syndrome; Ventriculo-radial syndrome; Cardiac-limb syndrome; Heart-hand syndrome, type 1. Identifiers: Orphanet 392, MedGen C0265264, MONDO:0007732, OMIM 142900.
Aortic valve disease 2 (AOVD2). Identifiers: MedGen C3542024, MONDO:0013902, OMIM 614823.

Allele frequency attached by ClinVar (database versions not stated): gnomAD 0.00009 and 0.00011; 1000 Genomes Project 0.00040; gnomAD exomes 0.00033; TOPMed 0.00015; 1000 Genomes Project 30x 0.00031; ExAC 0.00032.
gnomAD v4.1: 123 of 1,613,728 alleles (0.0076%); highest among the groups gnomAD compares: East Asian, 0.24%; 1 homozygote.

Submissions (6):

Molecular Diagnostic Laboratory for Inherited Cardiovascular Disease, Montreal Heart Institute
Classification: Likely benign. Last evaluated: 2026-09-21. Review status: criteria provided, single submitter. Criteria: ACMG Guidelines, 2015. Collection method: clinical testing. Allele origin: germline. Affected: no.
Comment: BS1;BP7

Labcorp Genetics (formerly Invitae), Labcorp
Classification: Benign for Aortic valve disease 2. Last evaluated: 2026-02-01. Review status: criteria provided, single submitter. Criteria: Invitae Variant Classification Sherloc (09022015). Collection method: clinical testing. Allele origin: germline.

Blueprint Genetics
Classification: Likely benign. Last evaluated: 2024-11-20. Review status: criteria provided, single submitter. Criteria: ACMG Guidelines, 2015. Collection method: clinical testing. Allele origin: germline.

Ambry Genetics
Classification: Benign for Cardiovascular phenotype. Last evaluated: 2021-01-29. Review status: criteria provided, single submitter. Criteria: Ambry Variant Classification Scheme 2023. Collection method: clinical testing. Allele origin: germline.

Illumina Laboratory Services, Illumina
Classification: Benign for Holt-Oram syndrome. Last evaluated: 2018-01-13. Review status: criteria provided, single submitter. Criteria: ICSL Variant Classification Criteria 13 December 2019. Collection method: clinical testing. Allele origin: germline.
Comment: This variant was observed in the ICSL laboratory as part of a predisposition screen in an ostensibly healthy population. It had not been previously curated by ICSL or reported in the Human Gene Mutation Database (HGMD: prior to June 1st, 2018), and was therefore a candidate for classification through an automated scoring system. Utilizing variant allele frequency, disease prevalence and penetrance estimates, and inheritance mode, an automated score was calculated to assess if this variant is too frequent to cause the disease. Based on the score and internal cut-off values, a variant classified as benign is not then subjected to further curation. The score for this variant resulted in a classification of benign for this disease.

PreventionGenetics, part of Exact Sciences
Classification: Likely benign. Review status: criteria provided, single submitter. Criteria: ACMG Guidelines, 2015. Collection method: clinical testing. Allele origin: germline.

NM_181486.4(TBX5):c.1152G>A (p.Ala384=)

Gene: TBX5 (T-box transcription factor 5; minus strand). Cytogenetic location: 12q24.21.
Variant type: single nucleotide variant.
Coding change: c.1152G>A on transcript NM_181486.4 (MANE Select); coding-DNA position 1152, G replaced by A.
Protein change: p.Ala384=; no amino-acid change (alanine 384 retained).
Molecular consequence: synonymous variant.
Genome position (GRCh38, 1-based): chr12:114,355,937, C>T on the plus strand (G>A on the coding strand, the complement: TBX5 is on the minus strand). VCF-style: chr12-114355937-C-T. GRCh37 (hg19) VCF-style: chr12-114793742-C-T.
Other names: c.1152G>A, p.Ala384= (NM_000192.3); c.1002G>A, p.Ala334= (NM_080717.4).
Identifiers: ClinVar variation 255490 (VCV000255490.17), dbSNP rs200073406, ClinGen allele CA6809396.